The following is an entry in ClinVar:

ClinVar aggregate classification (germline): Uncertain significance (1 of 4 stars; one submission).

Conditions:
EGFR-related lung cancer (EGFR). Identifiers: MedGen CN130014.

Allele frequency attached by ClinVar (database versions not stated): gnomAD exomes below 0.00001.
gnomAD v4.1: 1 of 1,614,278 alleles (0.000062%); highest among the groups gnomAD compares: East Asian, 0.0022%; no homozygotes.

Submission:

Labcorp Genetics (formerly Invitae), Labcorp
Classification: Uncertain significance for EGFR-related lung cancer. Last evaluated: 2025-10-07. Review status: criteria provided, single submitter. Criteria: Invitae Variant Classification Sherloc (09022015). Collection method: clinical testing. Allele origin: germline.
Comment: This sequence change falls in intron 13 of the EGFR gene. It does not directly change the encoded amino acid sequence of the EGFR protein. It affects a nucleotide within the consensus splice site. This variant is not present in population databases (gnomAD no frequency). This variant has not been reported in the literature in individuals affected with EGFR-related conditions. ClinVar contains an entry for this variant (Variation ID: 1441404). Variants that disrupt the consensus splice site are a relatively common cause of aberrant splicing (PMID: 17576681, 9536098). Algorithms developed to predict the effect of sequence changes on RNA splicing suggest that this variant is not likely to affect RNA splicing. In summary, the available evidence is currently insufficient to determine the role of this variant in disease. Therefore, it has been classified as a Variant of Uncertain Significance.

Literature cited by the submitters: PubMed 17576681; PubMed 9536098.

NM_005228.5(EGFR):c.1631+4G>A

Gene: EGFR (epidermal growth factor receptor; plus strand). Cytogenetic location: 7p11.2.
Variant type: single nucleotide variant.
Coding change: c.1631+4G>A on transcript NM_005228.5 (MANE Select); 4 bases into the intron after coding-DNA position 1631, G replaced by A.
Molecular consequence: intron variant.
Genome position (GRCh38, 1-based): chr7:55,161,635, G>A. VCF-style: chr7-55161635-G-A. GRCh37 (hg19) VCF-style: chr7-55229328-G-A.
Other names: c.1496+4G>A (NM_001346899.2, NM_001346897.2); c.830+4G>A (NM_001346941.2); c.1631+4G>A (NM_001346898.2, NM_201284.2, NM_201282.2); c.1472+4G>A (NM_001346900.2).
Identifiers: ClinVar variation 1441404 (VCV001441404.6), dbSNP rs1584193139, ClinGen allele CA1708906613.